The following is an entry in ClinVar:

ClinVar aggregate classification (germline): Likely pathogenic (1 of 4 stars; one submission).

Conditions:
KSR2-related disorder. Also called: KSR2-related condition.

gnomAD v4.1: 4 of 1,613,798 alleles (0.00025%); highest among the groups gnomAD compares: Non-Finnish European, 0.00025%; no homozygotes.

Submission:

PreventionGenetics, part of Exact Sciences
Classification: Likely pathogenic for KSR2-related condition. Last evaluated: 2026-05-22. Review status: criteria provided, single submitter. Criteria: ACMG Guidelines, 2015. Collection method: clinical testing. Allele origin: germline.
Comment: The KSR2 c.1300C>T variant is predicted to result in premature protein termination (p.Arg434*). To our knowledge, this variant has not been reported in the literature or in a large population database, indicating this variant is rare. Other protein truncating variants in KSR2 have been identified in multiple individuals with severe early-onset obesity (Pearce et al. 2013. PubMed ID: 24209692). This variant is interpreted as likely pathogenic.

NM_173598.6(KSR2):c.1387C>T (p.Arg463Ter)

Gene: KSR2 (kinase suppressor of ras 2; minus strand). Cytogenetic location: 12q24.22.
Variant type: single nucleotide variant.
Coding change: c.1387C>T on transcript NM_173598.6 (MANE Select); coding-DNA position 1387, C replaced by T.
Protein change: p.Arg463Ter; replaces arginine 463 with a stop codon.
Molecular consequence: nonsense.
Genome position (GRCh38, 1-based): chr12:117,558,512, G>A on the plus strand (C>T on the coding strand, the complement: KSR2 is on the minus strand). VCF-style: chr12-117558512-G-A. GRCh37 (hg19) VCF-style: chr12-117996317-G-A.
Other names: short protein forms R463*.
Identifiers: ClinVar variation 3352023 (VCV003352023.2).